The following is an entry in ClinVar:

NM_014140.4(SMARCAL1):c.1147+1G>A

Gene: SMARCAL1 (SNF2 related chromatin remodeling annealing helicase 1; plus strand). Cytogenetic location: 2q35.
Variant type: single nucleotide variant.
Coding change: c.1147+1G>A on transcript NM_014140.4 (MANE Select); the canonical splice donor site of the intron after coding-DNA position 1147, G replaced by A.
Molecular consequence: splice donor variant.
Genome position (GRCh38, 1-based): chr2:216,423,684, G>A. VCF-style: chr2-216423684-G-A. GRCh37 (hg19) VCF-style: chr2-217288407-G-A.
Other names: c.1147+1G>A (NM_001127207.2).
Identifiers: ClinVar variation 2745623 (VCV002745623.3), dbSNP rs2469625446, ClinGen allele CA350499111.

ClinVar aggregate classification (germline): Likely pathogenic (1 of 4 stars; one submission).

Conditions:
Schimke immuno-osseous dysplasia (SIOD). Also called: Schimke Immunoosseous Dysplasia. Identifiers: Orphanet 1830, MedGen C0877024, MONDO:0009458, OMIM 242900.

Submission:

Labcorp Genetics (formerly Invitae), Labcorp
Classification: Likely pathogenic for Schimke immuno-osseous dysplasia. Last evaluated: 2023-07-21. Review status: criteria provided, single submitter. Criteria: Invitae Variant Classification Sherloc (09022015). Collection method: clinical testing. Allele origin: germline.
Comment: This sequence change affects a donor splice site in intron 6 of the SMARCAL1 gene. It is expected to disrupt RNA splicing. Variants that disrupt the donor or acceptor splice site typically lead to a loss of protein function (PMID: 16199547), and loss-of-function variants in SMARCAL1 are known to be pathogenic (PMID: 11799392, 20301550). This variant is not present in population databases (gnomAD no frequency). This variant has not been reported in the literature in individuals affected with SMARCAL1-related conditions. Algorithms developed to predict the effect of sequence changes on RNA splicing suggest that this variant may disrupt the consensus splice site. In summary, the currently available evidence indicates that the variant is pathogenic, but additional data are needed to prove that conclusively. Therefore, this variant has been classified as Likely Pathogenic.

Literature cited by the submitters: PubMed 16199547; PubMed 11799392; PubMed 20301550.